The following is an entry in ClinVar:

ClinVar aggregate classification (germline): Likely benign. Review status: criteria provided, multiple submitters, no conflicts (2 of 4 stars). 3 submissions from 3 submitters: Likely benign (3). Last evaluated 2026-08-01.

Allele frequency attached by ClinVar (database versions not stated): 1000 Genomes Project 30x 0.00016; 1000 Genomes Project 0.00020; ESP Exome Variant Server 0.00023; TOPMed 0.00040; ExAC 0.00041; gnomAD exomes 0.00047 and 0.00055; gnomAD 0.00051 and 0.00054.
gnomAD v4.1: 881 of 1,613,698 alleles (0.055%); highest among the groups gnomAD compares: Non-Finnish European, 0.065%; no homozygotes.

Submissions (3):

CeGaT Center for Human Genetics Tuebingen
Classification: Likely benign. Last evaluated: 2026-08-01. Review status: criteria provided, single submitter. Criteria: CeGaT Center For Human Genetics Tuebingen Variant Classification Criteria Version 2. Collection method: clinical testing. Allele origin: germline. Affected: yes. Observed: 1 variant allele.
Comment: HTT: BP4, BP7

Blueprint Genetics
Classification: Likely benign. Last evaluated: 2024-11-11. Review status: criteria provided, single submitter. Criteria: ACMG Guidelines, 2015. Collection method: clinical testing. Allele origin: germline.

Labcorp Genetics (formerly Invitae), Labcorp
Classification: Likely benign. Last evaluated: 2022-07-19. Review status: criteria provided, single submitter. Criteria: Invitae Variant Classification Sherloc (09022015). Collection method: clinical testing. Allele origin: germline.

NM_001388492.1(HTT):c.585C>T (p.His195=)

Gene: HTT (huntingtin; plus strand). Cytogenetic location: 4p16.3.
Variant type: single nucleotide variant.
Coding change: c.585C>T on transcript NM_001388492.1 (MANE Select); coding-DNA position 585, C replaced by T.
Protein change: p.His195=; no amino-acid change (histidine 195 retained).
Molecular consequence: synonymous variant.
Genome position (GRCh38, 1-based): chr4:3,105,413, C>T. VCF-style: chr4-3105413-C-T. GRCh37 (hg19) VCF-style: chr4-3107140-C-T.
Other names: c.591C>T, p.His197= (NM_002111.8).
Identifiers: ClinVar variation 1657997 (VCV001657997.10), dbSNP rs184820567, ClinGen allele CA2823266.
Genomic context (GRCh38, chr4:3,105,413, plus strand): 5'-TCAGAATGGTGCCCCTCGGAGTTTGCGTGCTGCCCTGTGGAGGTTTGCTGAGCTGGCTCA[C>T]CTGGTTCGGCCTCAGAAATGCAGGTAAGTTGTACACTCTGGATGTTGGTTTTTGTCGGGG-3'
Protein context (NP_001375421.1, residues 185-205): AALWRFAELA[His195=]LVRPQKCRPY